The following is an entry in ClinVar:

NM_004937.3(CTNS):c.504G>A (p.Thr168=)

Genes: CTNS (cystinosin, lysosomal cystine transporter; plus strand), CTNS-AS1 (CTNS antisense RNA 1; minus strand). Cytogenetic location: 17p13.2.
Variant type: single nucleotide variant.
Coding change: c.504G>A on transcript NM_004937.3 (MANE Select); coding-DNA position 504, G replaced by A.
Protein change: p.Thr168=; no amino-acid change (threonine 168 retained).
Molecular consequence: synonymous variant.
Genome position (GRCh38, 1-based): chr17:3,656,529, G>A. VCF-style: chr17-3656529-G-A. GRCh37 (hg19) VCF-style: chr17-3559823-G-A.
Other names: c.504G>A, p.Thr168= (NM_001031681.3, NM_001374492.1); c.63G>A, p.Thr21= (NM_001374493.1, NM_001374494.1, NM_001374495.1 and 1 more transcripts).
Identifiers: ClinVar variation 257154 (VCV000257154.38), dbSNP rs1800528, ClinGen allele CA8291759.

ClinVar aggregate classification (germline): Benign. Review status: criteria provided, multiple submitters, no conflicts (2 of 4 stars). 15 submissions from 13 submitters: Benign (11). 4 of the submissions do not count toward it. Last evaluated 2026-02-04.

Conditions:
Cystinosis. Also called: Cystine diathesis; Cystine storage disease; Cystinoses. Identifiers: Orphanet 213, MedGen C4316899, MONDO:0016239.
Ocular cystinosis. Also called: Non-Nephropathic (Ocular) Cystinosis; Non-Nephropathic Cystinosis. Identifiers: Orphanet 213, Orphanet 411641, MedGen C2931013, MONDO:0009064, OMIM 219750.
Juvenile nephropathic cystinosis. Also called: Later-Onset (Juvenile) Cystinosis; Intermediate Cystinosis; CYSTINOSIS, LATE-ONSET JUVENILE OR ADOLESCENT NEPHROPATHIC TYPE. Identifiers: Orphanet 213, Orphanet 411634, MedGen C0268626, MONDO:0009066, OMIM 219900.
Inborn genetic diseases. Identifiers: MedGen C0950123, MeSH D030342.
Nephropathic cystinosis (CTNS). Also called: Abderhalden Lignac Kaufmann disease; Abderhalden-Kaufmann-Lignac syndrome; CYSTINOSIN, DEFECT OF; LYSOSOMAL CYSTINE TRANSPORT PROTEIN, DEFECT OF. Identifiers: Orphanet 213, Orphanet 411629, MedGen C2931187, MONDO:0100151, OMIM 219800.

Allele frequency attached by ClinVar (database versions not stated): ESP Exome Variant Server 0.13586; TOPMed 0.14497; gnomAD 0.14800 and 0.15138; 1000 Genomes Project 30x 0.14913; 1000 Genomes Project 0.15056; gnomAD exomes 0.18373 and 0.18774; ExAC 0.18643.
gnomAD v4.1: 295,569 of 1,603,876 alleles (18%); highest among the groups gnomAD compares: Admixed American, 22%; 28,811 homozygotes.

Submissions (15):

Labcorp Genetics (formerly Invitae), Labcorp
Classification: Benign for Inborn genetic diseases; Ocular cystinosis; Juvenile nephropathic cystinosis. Last evaluated: 2026-02-04. Review status: criteria provided, single submitter. Criteria: Invitae Variant Classification Sherloc (09022015). Collection method: clinical testing. Allele origin: germline.

Blueprint Genetics
Classification: Benign. Last evaluated: 2024-11-28. Review status: criteria provided, single submitter. Criteria: ACMG Guidelines, 2015. Collection method: clinical testing. Allele origin: germline.

Genome-Nilou Lab
Classification: Benign for Nephropathic cystinosis. Last evaluated: 2021-07-10. Review status: criteria provided, single submitter. Criteria: ACMG Guidelines, 2015. Collection method: clinical testing. Allele origin: germline. Affected: no.

Genome-Nilou Lab
Classification: Benign for Ocular cystinosis. Last evaluated: 2021-07-10. Review status: criteria provided, single submitter. Criteria: ACMG Guidelines, 2015. Collection method: clinical testing. Allele origin: germline. Affected: no.

GeneDx
Classification: Benign. Last evaluated: 2018-09-14. Review status: criteria provided, single submitter. Criteria: GeneDx Variant Classification Process June 2021. Collection method: clinical testing. Allele origin: germline. Affected: yes.

Illumina Laboratory Services, Illumina
Classification: Benign for Ocular cystinosis. Last evaluated: 2018-01-12. Review status: criteria provided, single submitter. Criteria: ICSL Variant Classification Criteria 13 December 2019. Collection method: clinical testing. Allele origin: germline.
Comment: This variant was observed in the ICSL laboratory as part of a predisposition screen in an ostensibly healthy population. It had not been previously curated by ICSL or reported in the Human Gene Mutation Database (HGMD: prior to June 1st, 2018), and was therefore a candidate for classification through an automated scoring system. Utilizing variant allele frequency, disease prevalence and penetrance estimates, and inheritance mode, an automated score was calculated to assess if this variant is too frequent to cause the disease. Based on the score and internal cut-off values, a variant classified as benign is not then subjected to further curation. The score for this variant resulted in a classification of benign for this disease.

Illumina Laboratory Services, Illumina
Classification: Benign for Nephropathic cystinosis. Last evaluated: 2018-01-12. Review status: criteria provided, single submitter. Criteria: ICSL Variant Classification Criteria 13 December 2019. Collection method: clinical testing. Allele origin: germline.
Comment: the same text as in the submission from Illumina Laboratory Services, Illumina above.

Eurofins Ntd Llc (ga)
Classification: Benign. Last evaluated: 2017-02-12. Review status: criteria provided, single submitter. Criteria: EGL Classification Definitions 2015. Collection method: clinical testing. Allele origin: germline. Observed: 1 variant allele, 1 heterozygote.

Laboratory for Molecular Medicine, Mass General Brigham Personalized Medicine
Classification: Benign. Last evaluated: 2016-03-21. Review status: criteria provided, single submitter. Criteria: LMM Criteria. Collection method: clinical testing. Allele origin: germline. Observed: 1 variant allele.
Comment: p.Thr168Thr in exon 8 of CTNS: This variant is not expected to have clinical sig nificance because it does not alter an amino acid residue, is not located within the splice consensus sequence, and has been identified in 26.02% (1536/5904) of Finnish chromosomes by the Exome Aggregation Consortium (ExAC; dbSNP rs1800528).

Breakthrough Genomics
Classification: Benign. Review status: criteria provided, single submitter. Criteria: ACMG Guidelines, 2015. Collection method: not provided. Allele origin: germline. Inheritance: Autosomal recessive inheritance. Affected: yes.

PreventionGenetics, part of Exact Sciences
Classification: Benign. Review status: criteria provided, single submitter. Criteria: ACMG Guidelines, 2015. Collection method: clinical testing. Allele origin: germline.

Natera, Inc.
Classification: Benign for Cystinosis. Last evaluated: 2020-09-16. Review status: no assertion criteria provided. Collection method: clinical testing. Allele origin: germline. Not counted in ClinVar's aggregate classification.

Mayo Clinic Laboratories, Mayo Clinic
Classification: Benign. Last evaluated: 2015-12-16. Review status: no assertion criteria provided. Collection method: clinical testing. Allele origin: unknown. Not counted in ClinVar's aggregate classification.

Diagnostic Laboratory, Department of Genetics, University Medical Center Groningen
Classification: Benign. Review status: no assertion criteria provided. Collection method: clinical testing. Allele origin: germline. Affected: yes. Study: VKGL Data-share Consensus. Not counted in ClinVar's aggregate classification.

Joint Genome Diagnostic Labs from Nijmegen and Maastricht, Radboudumc and MUMC+
Classification: Benign. Review status: no assertion criteria provided. Collection method: clinical testing. Allele origin: germline. Affected: yes. Study: VKGL Data-share Consensus. Not counted in ClinVar's aggregate classification.